The following is an entry in ClinVar:

NM_001257180.2(SLC20A2):c.176C>T (p.Ser59Phe)

Gene: SLC20A2 (solute carrier family 20 member 2; minus strand). Cytogenetic location: 8p11.21.
Variant type: single nucleotide variant.
Coding change: c.176C>T on transcript NM_001257180.2 (MANE Select); coding-DNA position 176, C replaced by T.
Protein change: p.Ser59Phe; replaces serine 59 with phenylalanine.
Molecular consequence: missense variant.
Genome position (GRCh38, 1-based): chr8:42,472,215, G>A on the plus strand (C>T on the coding strand, the complement: SLC20A2 is on the minus strand). VCF-style: chr8-42472215-G-A. GRCh37 (hg19) VCF-style: chr8-42329733-G-A.
Other names: c.176C>T, p.Ser59Phe (NM_001257181.2, NM_006749.5); short protein forms S59F.
Identifiers: ClinVar variation 1313919 (VCV001313919.2), dbSNP rs778119473, ClinGen allele CA371089912.

ClinVar aggregate classification (germline): Uncertain significance (1 of 4 stars; one submission).

Submission:

GeneDx
Classification: Uncertain significance. Last evaluated: 2021-01-12. Review status: criteria provided, single submitter. Criteria: GeneDx Variant Classification Process June 2021. Collection method: clinical testing. Allele origin: germline. Affected: yes.
Comment: Has not been previously published as pathogenic or benign to our knowledge; Not observed in large population cohorts (Lek et al., 2016); In silico analysis supports that this missense variant has a deleterious effect on protein structure/function